The following is an entry in ClinVar:

ClinVar aggregate classification (germline): Pathogenic. Review status: criteria provided, multiple submitters, no conflicts (2 of 4 stars). 2 submissions from 2 submitters: Pathogenic (2). Last evaluated 2023-08-25.

Conditions:
Hereditary cancer-predisposing syndrome. Also called: Tumor predisposition; Hereditary Cancer Syndrome; Hereditary neoplastic syndrome; Neoplastic Syndromes, Hereditary. Identifiers: Orphanet 140162, MedGen C0027672, MeSH D009386, MONDO:0015356.
Lynch syndrome 5 (LYNCH5). Also called: Hereditary non-polyposis colorectal cancer, type 5; Colorectal cancer, hereditary nonpolyposis, type 5. Identifiers: Orphanet 144, MedGen C1833477, MONDO:0013710, OMIM 614350. Disease mechanism: loss of function.

Submissions (2):

Myriad Genetics, Inc.
Classification: Pathogenic for Lynch syndrome 5. Last evaluated: 2023-08-25. Review status: criteria provided, single submitter. Criteria: Myriad Autosomal Dominant, Autosomal Recessive and X-Linked Classification Criteria (2023). Collection method: clinical testing. Allele origin: unknown.
Comment: This variant is considered pathogenic. This variant creates a frameshift predicted to result in premature protein truncation.

Ambry Genetics
Classification: Pathogenic for Hereditary cancer-predisposing syndrome. Last evaluated: 2023-08-10. Review status: criteria provided, single submitter. Criteria: Ambry Variant Classification Scheme 2023. Collection method: clinical testing. Allele origin: germline.
Comment: The c.3706dupG pathogenic mutation, located in coding exon 8 of the MSH6 gene, results from a duplication of G at nucleotide position 3706, causing a translational frameshift with a predicted alternate stop codon (p.A1236Gfs*2). This variant is considered to be rare based on population cohorts in the Genome Aggregation Database (gnomAD). This alteration is expected to result in loss of function by premature protein truncation or nonsense-mediated mRNA decay. As such, this alteration is interpreted as a disease-causing mutation.

NM_000179.3(MSH6):c.3706dup (p.Ala1236fs)

Gene: MSH6 (mutS homolog 6; plus strand). Cytogenetic location: 2p16.3.
Variant type: Duplication.
Coding change: c.3706dup on transcript NM_000179.3 (MANE Select); coding-DNA position 3706, one base duplicated (G; older notation c.3706dupG).
Protein change: p.Ala1236fs; shifts the reading frame from alanine 1236.
Molecular consequence: frameshift variant. On other transcripts: non-coding transcript variant (5).
Genome position (GRCh38, 1-based): chr2:47,806,263, G duplicated. VCF-style (leftmost placement, unchanged base first): chr2-47806262-T-TG. GRCh37 (hg19) VCF-style: chr2-48033401-T-TG.
Other names: c.3409dup, p.Ala1137fs (NM_001406820.1, NM_001406821.1, NM_001406822.1 and 10 more transcripts); c.2800dup, p.Ala934fs (NM_001406823.1, NM_001406829.1, NM_001281493.2 and 6 more transcripts); c.3538dup, p.Ala1180fs (NM_001406826.1); c.487dup, p.Ala163fs (NM_001406831.1); c.553dup, p.Ala185fs (NM_001406832.1); c.1651dup, p.Ala551fs (NM_001407362.1); c.3316dup, p.Ala1106fs (NM_001281492.2); c.3802dup, p.Ala1268fs (NM_001406795.1, NM_001406802.1); and 8 more; short protein forms A1210fs, A934fs, A1061fs, A1236fs, A1238fs, A714fs, A948fs, A1106fs.
Identifiers: ClinVar variation 2587316 (VCV002587316.3), dbSNP rs2530841464, ClinGen allele CA2582342375.
Genomic context (GRCh38, chr2:47,806,262, plus strand): 5'-AGGAAGAGGTACTGCAACATTTGATGGGACGGCAATAGCAAATGCAGTTGTTAAAGAACT[T>TG]GCTGAGACTATAAAATGTCGTACATTATTTTCAACTCACTACCATTCATTAGTAGAAGAT-3'